The following is an entry in ClinVar:

ClinVar aggregate classification (germline): Conflicting classifications of pathogenicity. Review status: criteria provided, conflicting classifications (1 of 4 stars). 6 submissions from 6 submitters: Uncertain significance (4); Uncertain risk allele (1); Likely benign (1). Last evaluated 2025-04-08.

Conditions:
Cataract 41 (CTRCT41). Also called: CATARACT 41, CONGENITAL NUCLEAR TYPE. Identifiers: Orphanet 91492, Orphanet 98991, Orphanet 98992, Orphanet 98995, MedGen C3805412, MONDO:0007287, OMIM 116400.
Wolfram syndrome 1 (WFS1). Identifiers: Orphanet 3463, MedGen C4551693, MONDO:0009101, OMIM 222300.
Autosomal dominant nonsyndromic hearing loss 6 (LFSNHL). Also called: Autosomal dominant nonsyndromic deafness 6; DEAFNESS, AUTOSOMAL DOMINANT 6; DEAFNESS, AUTOSOMAL DOMINANT 14; DEAFNESS, AUTOSOMAL DOMINANT 38. Identifiers: Orphanet 90635, MedGen C1833021, MONDO:0010963, OMIM 600965.
Type 2 diabetes mellitus. Also called: Type II diabetes mellitus. Identifiers: MedGen C0011860, MeSH D003924, MONDO:0005148, OMIM 125853, HP:0005978.
Wolfram-like syndrome. Also called: HEARING LOSS, PROGRESSIVE, WITH OPTIC ATROPHY AND/OR IMPAIRED GLUCOSE REGULATION. Identifiers: Orphanet 411590, MedGen C3280358, MONDO:0013673, OMIM 614296.
Inborn genetic diseases. Identifiers: MedGen C0950123, MeSH D030342.

Allele frequency attached by ClinVar (database versions not stated): gnomAD 0.00002 and 0.00003; TOPMed 0.00002; gnomAD exomes 0.00005 and 0.00010; ExAC 0.00009; ESP Exome Variant Server 0.00015.

Submissions (6):

GeneDx
Classification: Uncertain significance. Last evaluated: 2025-04-08. Review status: criteria provided, single submitter. Criteria: GeneDx Variant Classification Process June 2021. Collection method: clinical testing. Allele origin: germline. Affected: yes.
Comment: In silico analysis indicates that this missense variant does not alter protein structure/function; This variant is associated with the following publications: (PMID: Deng2024[CaseReport])

Labcorp Genetics (formerly Invitae), Labcorp
Classification: Likely benign. Last evaluated: 2024-12-26. Review status: criteria provided, single submitter. Criteria: Invitae Variant Classification Sherloc (09022015). Collection method: clinical testing. Allele origin: germline.

Fulgent Genetics
Classification: Uncertain significance for Cataract 41; Type 2 diabetes mellitus; Wolfram syndrome 1; Autosomal dominant nonsyndromic hearing loss 6; Wolfram-like syndrome. Last evaluated: 2022-04-02. Review status: criteria provided, single submitter. Criteria: ACMG Guidelines, 2015. Collection method: clinical testing. Allele origin: unknown.

Ambry Genetics
Classification: Uncertain significance for Inborn genetic diseases. Last evaluated: 2021-01-08. Review status: criteria provided, single submitter. Criteria: Ambry Variant Classification Scheme 2023. Collection method: clinical testing. Allele origin: germline.

Laboratory for Molecular Medicine, Mass General Brigham Personalized Medicine
Classification: Uncertain significance. Last evaluated: 2016-02-18. Review status: criteria provided, single submitter. Criteria: LMM Criteria. Collection method: clinical testing. Allele origin: germline. Observed: 1 variant allele.
Comment: The p.Phe331Ile variant in WFS1 has not been previously reported in individuals with hearing loss, but has been identified in 9/11578 of Latino chromosomes by t he Exome Aggregation Consortium (ExAC; dbSNP rs1 44888979). Although this variant has been seen in the general population, its fr equency is not high enough to rule out a pathogenic role. Computational predicti on tools and conservation analysis do not provide strong support for or against an impact to the protein. In summary, the clinical significance of the p.Phe331I le is uncertain.

Clinical Genomics, Uppaluri K&H Personalized Medicine Clinic
Classification: Uncertain risk allele for Wolfram syndrome 1. Review status: criteria provided, single submitter. Criteria: K & H Uppaluri Personalized Medicine Clinic Variant Classification & Assertion Criteria_Updated V.1. Collection method: research. Allele origin: unknown. Inheritance: Autosomal recessive inheritance.
Comment: Potent mutations in WFS1 gene are associated with Wolfram's syndrome, an autosomal recessive condition, which cause diabetes mellitus, diabetes insipidus, deafness and optic atrophy.However no sufficient evidence is found to ascertain the role of this particular variant rs144888979 in Wolfram's syndrome yet.

Literature cited by the submitters: PubMed 20738327 (cited by Clinical Genomics, Uppaluri K&H Personalized Medicine Clinic); PubMed 33879153 (cited by Clinical Genomics, Uppaluri K&H Personalized Medicine Clinic); PubMed 12955714 (cited by Clinical Genomics, Uppaluri K&H Personalized Medicine Clinic); PubMed 18060660 (cited by Clinical Genomics, Uppaluri K&H Personalized Medicine Clinic); PubMed 20301750 (cited by Clinical Genomics, Uppaluri K&H Personalized Medicine Clinic); PubMed 17603484 (cited by Clinical Genomics, Uppaluri K&H Personalized Medicine Clinic).

NM_006005.3(WFS1):c.991T>A (p.Phe331Ile)

Gene: WFS1 (wolframin ER transmembrane glycoprotein; plus strand). Cytogenetic location: 4p16.1.
Variant type: single nucleotide variant.
Coding change: c.991T>A on transcript NM_006005.3 (MANE Select); coding-DNA position 991, T replaced by A.
Protein change: p.Phe331Ile; replaces phenylalanine 331 with isoleucine.
Molecular consequence: missense variant.
Genome position (GRCh38, 1-based): chr4:6,300,786, T>A. VCF-style: chr4-6300786-T-A. GRCh37 (hg19) VCF-style: chr4-6302513-T-A.
Other names: c.991T>A, p.Phe331Ile (NM_001145853.1); short protein forms F331I.
Identifiers: ClinVar variation 229648 (VCV000229648.17), dbSNP rs144888979, ClinGen allele CA2839183.